The following is an entry in ClinVar:

ClinVar aggregate classification (germline): Uncertain significance. Review status: criteria provided, multiple submitters, no conflicts (2 of 4 stars). 3 submissions from 3 submitters: Uncertain significance (3). Last evaluated 2024-08-12.

Allele frequency attached by ClinVar (database versions not stated): gnomAD 0.00057 and 0.00054; ESP Exome Variant Server 0.00062; ExAC 0.00024; TOPMed 0.00047; 1000 Genomes Project 0.00140; 1000 Genomes Project 30x 0.00141.
gnomAD v4.1: 217 of 1,614,114 alleles (0.013%); highest among the groups gnomAD compares: African/African-American, 0.16%; 1 homozygote.

Submissions (3):

Blueprint Genetics
Classification: Uncertain significance. Last evaluated: 2024-08-12. Review status: criteria provided, single submitter. Criteria: ACMG Guidelines, 2015. Collection method: clinical testing. Allele origin: germline.

Labcorp Genetics (formerly Invitae), Labcorp
Classification: Uncertain significance. Last evaluated: 2024-01-24. Review status: criteria provided, single submitter. Criteria: Invitae Variant Classification Sherloc (09022015). Collection method: clinical testing. Allele origin: germline.
Comment: This sequence change replaces arginine, which is basic and polar, with histidine, which is basic and polar, at codon 674 of the GRM6 protein (p.Arg674His). This variant is present in population databases (rs141161139, gnomAD 0.2%). This variant has not been reported in the literature in individuals affected with GRM6-related conditions. ClinVar contains an entry for this variant (Variation ID: 594635). Advanced modeling of protein sequence and biophysical properties (such as structural, functional, and spatial information, amino acid conservation, physicochemical variation, residue mobility, and thermodynamic stability) performed at Invitae indicates that this missense variant is expected to disrupt GRM6 protein function with a positive predictive value of 80%. In summary, the available evidence is currently insufficient to determine the role of this variant in disease. Therefore, it has been classified as a Variant of Uncertain Significance.

Eurofins Ntd Llc (ga)
Classification: Uncertain significance. Last evaluated: 2017-11-10. Review status: criteria provided, single submitter. Criteria: EGL Classification Definitions 2015. Collection method: clinical testing. Allele origin: germline. Observed: 1 variant allele, 1 heterozygote.

NM_000843.4(GRM6):c.2021G>A (p.Arg674His)

Genes: ZNF454 (zinc finger protein 454; plus strand), GRM6 (glutamate metabotropic receptor 6; minus strand). Cytogenetic location: 5q35.3.
Variant type: single nucleotide variant.
Coding change: c.2021G>A on transcript NM_000843.4 (MANE Select); coding-DNA position 2021, G replaced by A.
Protein change: p.Arg674His; replaces arginine 674 with histidine.
Molecular consequence: missense variant.
Genome position (GRCh38, 1-based): chr5:178,986,233, C>T on the plus strand (G>A on the coding strand, the complement: GRM6 is on the minus strand). VCF-style: chr5-178986233-C-T. GRCh37 (hg19) VCF-style: chr5-178413234-C-T.
Other names: short protein forms R674H.
Identifiers: ClinVar variation 594635 (VCV000594635.10), dbSNP rs141161139, ClinGen allele CA3593855.